The following is an entry in ClinVar:

ClinVar aggregate classification (germline): Uncertain significance. Review status: criteria provided, multiple submitters, no conflicts (2 of 4 stars). 4 submissions from 4 submitters: Uncertain significance (4). Last evaluated 2023-06-09.

Conditions:
Cerebral cavernous malformation (CCM). Also called: Cavernous Hemangioma of Brain; Cerebral cavernous malformations; CAVERNOUS ANGIOMA, FAMILIAL; CAVERNOUS ANGIOMATOUS MALFORMATIONS; CEREBRAL CAPILLARY MALFORMATIONS; Cerebral cavernous hemangioma (type). Identifiers: Orphanet 221061, MedGen C2919945, MONDO:0000820, OMIM 116860, HP:0033522.
Inborn genetic diseases. Identifiers: MedGen C0950123, MeSH D030342.

Allele frequency attached by ClinVar (database versions not stated): gnomAD exomes 0.00002 and 0.00003; TOPMed 0.00003; ExAC 0.00004; gnomAD 0.00004.

Submissions (4):

Mayo Clinic Laboratories, Mayo Clinic
Classification: Uncertain significance. Last evaluated: 2023-06-09. Review status: criteria provided, single submitter. Criteria: ACMG Guidelines, 2015. Collection method: clinical testing. Allele origin: germline. Observed: 1 variant allele.
Comment: BP4

Labcorp Genetics (formerly Invitae), Labcorp
Classification: Uncertain significance for Cerebral cavernous malformation. Last evaluated: 2023-01-21. Review status: criteria provided, single submitter. Criteria: Invitae Variant Classification Sherloc (09022015). Collection method: clinical testing. Allele origin: germline.
Comment: In summary, the available evidence is currently insufficient to determine the role of this variant in disease. Therefore, it has been classified as a Variant of Uncertain Significance. Advanced modeling of protein sequence and biophysical properties (such as structural, functional, and spatial information, amino acid conservation, physicochemical variation, residue mobility, and thermodynamic stability) performed at Invitae indicates that this missense variant is not expected to disrupt KRIT1 protein function. ClinVar contains an entry for this variant (Variation ID: 930716). This variant has not been reported in the literature in individuals affected with KRIT1-related conditions. This variant is present in population databases (rs760437448, gnomAD 0.009%). This sequence change replaces serine, which is neutral and polar, with asparagine, which is neutral and polar, at codon 701 of the KRIT1 protein (p.Ser701Asn).

Ambry Genetics
Classification: Uncertain significance for Inborn genetic diseases. Last evaluated: 2021-09-07. Review status: criteria provided, single submitter. Criteria: Ambry Variant Classification Scheme 2023. Collection method: clinical testing. Allele origin: germline.

Centre for Mendelian Genomics, University Medical Centre Ljubljana
Classification: Uncertain significance for Cerebral cavernous malformation. Last evaluated: 2018-12-07. Review status: criteria provided, single submitter. Criteria: ACMG Guidelines, 2015. Collection method: clinical testing. Allele origin: unknown. Affected: yes.
Comment: This variant was classified as: Uncertain significance. The available evidence on this variant's pathogenicity is insufficient or conflicting. The following ACMG criteria were applied in classifying this variant: PP3.

NM_194454.3(KRIT1):c.2102G>A (p.Ser701Asn)

Gene: KRIT1 (KRIT1 ankyrin repeat containing; minus strand). Cytogenetic location: 7q21.2.
Variant type: single nucleotide variant.
Coding change: c.2102G>A on transcript NM_194454.3 (MANE Select); coding-DNA position 2102, G replaced by A.
Protein change: p.Ser701Asn; replaces serine 701 with asparagine.
Molecular consequence: missense variant.
Genome position (GRCh38, 1-based): chr7:92,201,347, C>T on the plus strand (G>A on the coding strand, the complement: KRIT1 is on the minus strand). VCF-style: chr7-92201347-C-T. GRCh37 (hg19) VCF-style: chr7-91830661-C-T.
Other names: p.Ser701Asn; c.1958G>A, p.Ser653Asn (NM_001013406.2, NM_001350669.1, NM_001350670.1); c.1388G>A, p.Ser463Asn (NM_001350671.1); c.2102G>A, p.Ser701Asn (NM_001350672.1, NM_001350673.1, NM_001350674.1 and 26 more transcripts); short protein forms S701N, S463N, S653N.
Identifiers: ClinVar variation 930716 (VCV000930716.13), dbSNP rs760437448, ClinGen allele CA4338952.
Genomic context (GRCh38, chr7:92,201,347, plus strand): 5'-CCAAAATAAATGATACTTACCTGTTTTGTATGTACTATAAAGCTCATTTTATTTTCCATG[C>T]TATGGATCTGAAAACAAGTATCAGTATCTCCCAATTGCCACATAAAACAACCATACTTAA-3'
Protein context (NP_919436.1, residues 691-711): GDTDTCFQIH[Ser701Asn]MENKMSFIVH